The following is an entry in ClinVar:

NM_001252024.2(TRPM1):c.3128-9G>A

Genes: TRPM1 (transient receptor potential cation channel subfamily M member 1; minus strand), TRPM1-AS1 (TRPM1 antisense RNA 1; plus strand). Cytogenetic location: 15q13.3.
Variant type: single nucleotide variant.
Coding change: c.3128-9G>A on transcript NM_001252024.2 (MANE Select); 9 bases into the intron before coding-DNA position 3128, G replaced by A.
Molecular consequence: intron variant.
Genome position (GRCh38, 1-based): chr15:31,029,400, C>T on the plus strand (G>A on the coding strand, the complement: TRPM1 is on the minus strand). VCF-style: chr15-31029400-C-T. GRCh37 (hg19) VCF-style: chr15-31321603-C-T.
Other names: c.3179-9G>A (NM_001252020.2, NM_001252020.1); c.3062-9G>A (NM_002420.6).
Identifiers: ClinVar variation 732931 (VCV000732931.10), dbSNP rs777974355, ClinGen allele CA7451976.

ClinVar aggregate classification (germline): Conflicting classifications of pathogenicity. Review status: criteria provided, conflicting classifications (1 of 4 stars). 3 submissions from 3 submitters: Uncertain significance (1); Likely benign (2). Last evaluated 2025-09-02.

Conditions:
TRPM1-related disorder. Also called: TRPM1-related condition.

Allele frequency attached by ClinVar (database versions not stated): gnomAD exomes 0.00002 and 0.00003; ExAC 0.00003; gnomAD 0.00004; TOPMed 0.00004.
gnomAD v4.1: 50 of 1,613,464 alleles (0.0031%); highest among the groups gnomAD compares: East Asian, 0.016%; no homozygotes.

Submissions (3):

Labcorp Genetics (formerly Invitae), Labcorp
Classification: Likely benign. Last evaluated: 2025-09-02. Review status: criteria provided, single submitter. Criteria: Invitae Variant Classification Sherloc (09022015). Collection method: clinical testing. Allele origin: germline.

PreventionGenetics, part of Exact Sciences
Classification: Likely benign for TRPM1-related condition. Last evaluated: 2024-12-10. Review status: criteria provided, single submitter. Criteria: ACMG Guidelines, 2015. Collection method: clinical testing. Allele origin: germline.
Comment: This variant is classified as likely benign based on ACMG/AMP sequence variant interpretation guidelines (Richards et al. 2015 PMID: 25741868, with internal and published modifications).

Blueprint Genetics
Classification: Uncertain significance. Last evaluated: 2024-11-08. Review status: criteria provided, single submitter. Criteria: ACMG Guidelines, 2015. Collection method: clinical testing. Allele origin: germline.